The following is an entry in ClinVar:

ClinVar aggregate classification (germline): Uncertain significance (1 of 4 stars; one submission).

Conditions:
Developmental and epileptic encephalopathy, 11 (DEE11). Also called: Early infantile epileptic encephalopathy 11. Identifiers: Orphanet 1934, MedGen C3150987, MONDO:0013388, OMIM 613721.
Seizures, benign familial infantile, 3 (BFIS3). Also called: CONVULSIONS, BENIGN FAMILIAL INFANTILE, 3; Familial neonatal seizures. Identifiers: Orphanet 140927, Orphanet 306, MedGen C1843140, MONDO:0011904, OMIM 607745.

Allele frequency attached by ClinVar (database versions not stated): gnomAD exomes below 0.00001; TOPMed below 0.00001; ExAC 0.00001; gnomAD 0.00001.
gnomAD v4.1: 1 of 1,613,968 alleles (0.000062%); highest among the groups gnomAD compares: African/African-American, 0.0013%; no homozygotes.

Submission:

Labcorp Genetics (formerly Invitae), Labcorp
Classification: Uncertain significance for Seizures, benign familial infantile, 3; Developmental and epileptic encephalopathy, 11. Last evaluated: 2022-08-16. Review status: criteria provided, single submitter. Criteria: Invitae Variant Classification Sherloc (09022015). Collection method: clinical testing. Allele origin: germline.
Comment: This sequence change replaces glutamine, which is neutral and polar, with lysine, which is basic and polar, at codon 39 of the SCN2A protein (p.Gln39Lys). This variant is present in population databases (rs757194863, gnomAD 0.007%). In summary, the available evidence is currently insufficient to determine the role of this variant in disease. Therefore, it has been classified as a Variant of Uncertain Significance. Algorithms developed to predict the effect of missense changes on protein structure and function (SIFT, PolyPhen-2, Align-GVGD) all suggest that this variant is likely to be tolerated. ClinVar contains an entry for this variant (Variation ID: 1487226). This variant has not been reported in the literature in individuals affected with SCN2A-related conditions.

NM_001040142.2(SCN2A):c.115C>A (p.Gln39Lys)

Gene: SCN2A (sodium voltage-gated channel alpha subunit 2; plus strand). Cytogenetic location: 2q24.3.
Variant type: single nucleotide variant.
Coding change: c.115C>A on transcript NM_001040142.2 (MANE Select); coding-DNA position 115, C replaced by A.
Protein change: p.Gln39Lys; replaces glutamine 39 with lysine.
Molecular consequence: missense variant.
Genome position (GRCh38, 1-based): chr2:165,295,938, C>A. VCF-style: chr2-165295938-C-A. GRCh37 (hg19) VCF-style: chr2-166152448-C-A.
Other names: c.115C>A, p.Gln39Lys (NM_001040143.2, NM_001371246.1, NM_001371247.1 and 1 more transcripts); short protein forms Q39K.
Identifiers: ClinVar variation 1487226 (VCV001487226.8), dbSNP rs757194863, ClinGen allele CA1939548.